The following is an entry in ClinVar:

NM_002048.3(GAS1):c.424G>A (p.Ala142Thr)

Gene: GAS1 (growth arrest specific 1; minus strand). Cytogenetic location: 9q21.33.
Variant type: single nucleotide variant.
Coding change: c.424G>A on transcript NM_002048.3 (MANE Select); coding-DNA position 424, G replaced by A.
Protein change: p.Ala142Thr; replaces alanine 142 with threonine.
Molecular consequence: missense variant.
Genome position (GRCh38, 1-based): chr9:86,946,356, C>T on the plus strand (G>A on the coding strand, the complement: GAS1 is on the minus strand). VCF-style: chr9-86946356-C-T. GRCh37 (hg19) VCF-style: chr9-89561271-C-T.
Other names: short protein forms A142T.
Identifiers: ClinVar variation 1498169 (VCV001498169.6), dbSNP rs1825489153, ClinGen allele CA374016194.

ClinVar aggregate classification (germline): Uncertain significance (1 of 4 stars; one submission).

Allele frequency attached by ClinVar (database versions not stated): TOPMed below 0.00001.

Submission:

Labcorp Genetics (formerly Invitae), Labcorp
Classification: Uncertain significance. Last evaluated: 2021-11-12. Review status: criteria provided, single submitter. Criteria: Invitae Variant Classification Sherloc (09022015). Collection method: clinical testing. Allele origin: germline.
Comment: In summary, the available evidence is currently insufficient to determine the role of this variant in disease. Therefore, it has been classified as a Variant of Uncertain Significance. Algorithms developed to predict the effect of missense changes on protein structure and function are either unavailable or do not agree on the potential impact of this missense change (SIFT: "Tolerated"; PolyPhen-2: "Possibly Damaging"; Align-GVGD: "Class C0"). This variant has not been reported in the literature in individuals affected with GAS1-related conditions. This variant is not present in population databases (gnomAD no frequency). This sequence change replaces alanine, which is neutral and non-polar, with threonine, which is neutral and polar, at codon 142 of the GAS1 protein (p.Ala142Thr).